The following is an entry in ClinVar:

ClinVar aggregate classification (germline): Uncertain significance (1 of 4 stars; one submission).

Conditions:
HOXD13-related disorder. Also called: HOXD13-related condition; HOXD13-related disorders.

gnomAD v4.1: 2 of 1,613,958 alleles (0.00012%); highest among the groups gnomAD compares: East Asian, 0.0022%; no homozygotes.

Submission:

3billion
Classification: Uncertain significance for HOXD13-related disorder. Last evaluated: 2024-06-14. Review status: criteria provided, single submitter. Criteria: ACMG Guidelines, 2015. Collection method: clinical testing. Allele origin: germline. Affected: yes.
Comment: The variant is observed at an extremely low frequency in the gnomAD v4.0.0 dataset (total allele frequency: <0.001%). Predicted Consequence/Location: Missense variant In silico tool predictions suggest damaging effect of the variant on gene or gene product [REVEL: 0.94 (>=0.6, sensitivity 0.68 and specificity 0.92)]. A different missense change at the same codon (p.Thr313Arg) has been reported to be associated with HOXD13-related disorder (ClinVar ID: VCV002499278 /PMID: 26581570). However the evidence of pathogenicity is insufficient at this time. Therefore, this variant is classified as VUS according to the recommendation of ACMG/AMP guideline.

Literature cited by the submitters: PubMed 26581570.

NM_000523.4(HOXD13):c.937A>G (p.Thr313Ala)

Gene: HOXD13 (homeobox D13; plus strand). Cytogenetic location: 2q31.1.
Variant type: single nucleotide variant.
Coding change: c.937A>G on transcript NM_000523.4 (MANE Select); coding-DNA position 937, A replaced by G.
Protein change: p.Thr313Ala; replaces threonine 313 with alanine.
Molecular consequence: missense variant.
Genome position (GRCh38, 1-based): chr2:176,094,635, A>G. VCF-style: chr2-176094635-A-G. GRCh37 (hg19) VCF-style: chr2-176959363-A-G.
Other names: short protein forms T313A.
Identifiers: ClinVar variation 4293271 (VCV004293271.1).